The following is an entry in ClinVar:

ClinVar aggregate classification (germline): Benign. Review status: criteria provided, multiple submitters, no conflicts (2 of 4 stars). 2 submissions from 2 submitters: Benign (2). Last evaluated 2018-06-14.

Allele frequency attached by ClinVar (database versions not stated): gnomAD exomes 0.00278; gnomAD 0.03026 and 0.03248; 1000 Genomes Project 0.03474; TOPMed 0.03543; 1000 Genomes Project 30x 0.03795.
gnomAD v4.1: 6,677 of 865,394 alleles (0.77%); highest among the groups gnomAD compares: African/African-American, 10%; 312 homozygotes.

Submissions (2):

GeneDx
Classification: Benign. Last evaluated: 2018-06-14. Review status: criteria provided, single submitter. Criteria: GeneDx Variant Classification (06012015). Collection method: clinical testing. Allele origin: germline. Affected: yes.
Comment: This variant is considered likely benign or benign based on one or more of the following criteria: it is a conservative change, it occurs at a poorly conserved position in the protein, it is predicted to be benign by multiple in silico algorithms, and/or has population frequency not consistent with disease.

Breakthrough Genomics
Classification: Benign. Review status: criteria provided, single submitter. Criteria: ACMG Guidelines, 2015. Collection method: not provided. Allele origin: germline. Inheritance: Autosomal dominant inheritance. Affected: yes.

NM_006258.4(PRKG1):c.1076+114G>C

Gene: PRKG1 (protein kinase cGMP-dependent 1; plus strand). Cytogenetic location: 10q21.1.
Variant type: single nucleotide variant.
Coding change: c.1076+114G>C on transcript NM_006258.4 (MANE Select); 114 bases into the intron after coding-DNA position 1076, G replaced by C.
Molecular consequence: intron variant.
Genome position (GRCh38, 1-based): chr10:52,162,077, G>C. VCF-style: chr10-52162077-G-C. GRCh37 (hg19) VCF-style: chr10-53921837-G-C.
Other names: c.1031+114G>C (NM_001098512.3).
Identifiers: ClinVar variation 679069 (VCV000679069.2), dbSNP rs7908413, ClinGen allele CA207388065.